The following is an entry in ClinVar:

ClinVar aggregate classification (germline): Uncertain significance (1 of 4 stars; one submission).

Conditions:
Charcot-Marie-Tooth disease axonal type 2O. Also called: CHARCOT-MARIE-TOOTH NEUROPATHY, AXONAL, TYPE 2O; CHARCOT-MARIE-TOOTH DISEASE, AXONAL, AUTOSOMAL DOMINANT, TYPE 2O; Charcot-Marie-Tooth Neuropathy Type 2O; Charcot-Marie-Tooth disease, axonal, type 20. Identifiers: Orphanet 284232, MedGen C3280220, MONDO:0013644, OMIM 614228.

Submission:

Labcorp Genetics (formerly Invitae), Labcorp
Classification: Uncertain significance for Charcot-Marie-Tooth disease axonal type 2O. Last evaluated: 2025-04-17. Review status: criteria provided, single submitter. Criteria: Invitae Variant Classification Sherloc (09022015). Collection method: clinical testing. Allele origin: germline.
Comment: This sequence change replaces proline, which is neutral and non-polar, with leucine, which is neutral and non-polar, at codon 227 of the DYNC1H1 protein (p.Pro227Leu). This variant is not present in population databases (gnomAD no frequency). This variant has not been reported in the literature in individuals affected with DYNC1H1-related conditions. Invitae Evidence Modeling of protein sequence and biophysical properties (such as structural, functional, and spatial information, amino acid conservation, physicochemical variation, residue mobility, and thermodynamic stability) has been performed for this missense variant. However, the output from this modeling did not meet the statistical confidence thresholds required to predict the impact of this variant on DYNC1H1 protein function. In summary, the available evidence is currently insufficient to determine the role of this variant in disease. Therefore, it has been classified as a Variant of Uncertain Significance.

NM_001376.5(DYNC1H1):c.680C>T (p.Pro227Leu)

Gene: DYNC1H1 (dynein cytoplasmic 1 heavy chain 1; plus strand). Cytogenetic location: 14q32.31.
Variant type: single nucleotide variant.
Coding change: c.680C>T on transcript NM_001376.5 (MANE Select); coding-DNA position 680, C replaced by T.
Protein change: p.Pro227Leu; replaces proline 227 with leucine.
Molecular consequence: missense variant.
Genome position (GRCh38, 1-based): chr14:101,979,880, C>T. VCF-style: chr14-101979880-C-T. GRCh37 (hg19) VCF-style: chr14-102446217-C-T.
Other names: short protein forms P227L.
Identifiers: ClinVar variation 4765236 (VCV004765236.1).